The following is an entry in ClinVar:

NM_001165963.4(SCN1A):c.4234A>G (p.Lys1412Glu)

Genes: SCN1A (sodium voltage-gated channel alpha subunit 1; minus strand), LOC102724058 (uncharacterized LOC102724058; plus strand). Cytogenetic location: 2q24.3.
Variant type: single nucleotide variant.
Coding change: c.4234A>G on transcript NM_001165963.4 (MANE Select); coding-DNA position 4234, A replaced by G.
Protein change: p.Lys1412Glu; replaces lysine 1412 with glutamic acid.
Molecular consequence: missense variant. On other transcripts: non-coding transcript variant (1).
Genome position (GRCh38, 1-based): chr2:166,002,522, T>C on the plus strand (A>G on the coding strand, the complement: SCN1A is on the minus strand). VCF-style: chr2-166002522-T-C. GRCh37 (hg19) VCF-style: chr2-166859032-T-C.
Other names: c.4150A>G, p.Lys1384Glu (NM_001165964.3, NM_001353957.2, NM_001353958.2); c.4234A>G, p.Lys1412Glu (NM_001202435.3, NM_001353948.2); c.4201A>G, p.Lys1401Glu (NM_001353949.2, NM_001353950.2, NM_001353951.2 and 2 more transcripts); c.4198A>G, p.Lys1400Glu (NM_001353954.2, NM_001353955.2); c.4147A>G, p.Lys1383Glu (NM_001353960.2); c.1792A>G, p.Lys598Glu (NM_001353961.2); short protein forms K1401E, K1412E, K1383E, K598E, K1400E, K1384E.
Identifiers: ClinVar variation 575324 (VCV000575324.11), dbSNP rs1553524977, ClinGen allele CA349049968.
Genomic context (GRCh38, chr2:166,002,522, plus strand): 5'-GTTCACTTACAACTTGAAGCAAAGAGAGATACCCAAATCCTACATTATCAAAGTTTACTT[T>C]CACATTTTTCCATCGAGCAGTCTCATTTCTTTCTATTAGTTTTAGGCAATCAGTATGATT-3'
Protein context (NP_001159435.1, residues 1402-1422): RNETARWKNV[Lys1412Glu]VNFDNVGFGY

ClinVar aggregate classification (germline): Uncertain significance. Review status: criteria provided, multiple submitters, no conflicts (2 of 4 stars). 2 submissions from 2 submitters: Uncertain significance (2). Last evaluated 2024-03-02.

Conditions:
Migraine, familial hemiplegic, 3. Identifiers: Orphanet 569, MedGen C1864987, MONDO:0012320, OMIM 609634.
Developmental and epileptic encephalopathy 6B. Also called: Developmental and epileptic encephalopathy 6B, non-Dravet. Identifiers: MedGen C5543353, MONDO:0030268, OMIM 619317.
Generalized epilepsy with febrile seizures plus, type 2 (GEFSP2). Also called: GEFS+, TYPE 2. Identifiers: Orphanet 36387, MedGen C1858673, MONDO:0011461, OMIM 604403.
Severe myoclonic epilepsy in infancy (DRVT). Also called: Dravet syndrome; Severe Myoclonic Epilepsy in Infancy (SMEI); SEVERE MYOCLONIC EPILEPSY OF INFANCY; DEVELOPMENTAL AND EPILEPTIC ENCEPHALOPATHY 6A; Epileptic encephalopathy, early infantile, 6 (Dravet syndrome). Identifiers: Orphanet 33069, MedGen C0751122, MONDO:0100135, OMIM 607208.
Early-infantile DEE. Also called: Ohtahara syndrome; Early infantile epileptic encephalopathy with suppression bursts; Early infantile epileptic encephalopathy. Identifiers: Orphanet 1934, MedGen C0393706, MONDO:0800491.

Submissions (2):

Labcorp Genetics (formerly Invitae), Labcorp
Classification: Uncertain significance for Early-infantile DEE. Last evaluated: 2024-03-02. Review status: criteria provided, single submitter. Criteria: Invitae Variant Classification Sherloc (09022015). Collection method: clinical testing. Allele origin: germline.
Comment: This sequence change replaces lysine, which is basic and polar, with glutamic acid, which is acidic and polar, at codon 1412 of the SCN1A protein (p.Lys1412Glu). This variant is not present in population databases (gnomAD no frequency). This variant has not been reported in the literature in individuals affected with SCN1A-related conditions. ClinVar contains an entry for this variant (Variation ID: 575324). Advanced modeling of protein sequence and biophysical properties (such as structural, functional, and spatial information, amino acid conservation, physicochemical variation, residue mobility, and thermodynamic stability) performed at Invitae indicates that this missense variant is expected to disrupt SCN1A protein function with a positive predictive value of 95%. In summary, the available evidence is currently insufficient to determine the role of this variant in disease. Therefore, it has been classified as a Variant of Uncertain Significance.

New York Genome Center
Classification: Uncertain significance for Developmental and epileptic encephalopathy 6B; Severe myoclonic epilepsy in infancy; Generalized epilepsy with febrile seizures plus, type 2; Migraine, familial hemiplegic, 3. Last evaluated: 2021-09-26. Review status: criteria provided, single submitter. Criteria: NYGC Assertion Criteria 2020. Collection method: clinical testing. Allele origin: germline. Observed: 1 heterozygote. Study: CSER-NYCKidSeq.
Comment: The heterozygous c.4201A>G (p.Lys1401Glu) missense variant identified in the SCN1A gene has not been reported in affected individuals in the literature. The variant is absent from gnomAD(v3) database suggesting it is not a common benign variant in the populations represented in that database. This variant has been reported in the ClinVar database as variant of uncertain significance [Variation ID: 575324]. The variant affects an evolutionarily conserved residue and is predicted deleterious by multiple in silico prediction tools (CADD score = 26.2, REVEL score = 0.950). Given the lack of functional studies and no reports of affected individuals in the literature/public repositories, the heterozygous c.4201A>G (p.Lys1401Glu) missense variant identified in the SCN1A gene is reported as a Variant of Uncertain Significance.